The following is an entry in ClinVar:

NM_004656.4(BAP1):c.1299T>C (p.Ala433=)

Gene: BAP1 (BRCA1 associated deubiquitinase 1; minus strand). Cytogenetic location: 3p21.1.
Variant type: single nucleotide variant.
Coding change: c.1299T>C on transcript NM_004656.4 (MANE Select); coding-DNA position 1299, T replaced by C.
Protein change: p.Ala433=; no amino-acid change (alanine 433 retained).
Molecular consequence: synonymous variant.
Genome position (GRCh38, 1-based): chr3:52,403,846, A>G on the plus strand (T>C on the coding strand, the complement: BAP1 is on the minus strand). VCF-style: chr3-52403846-A-G. GRCh37 (hg19) VCF-style: chr3-52437862-A-G.
Other names: c.1299T>C (NM_004656.2).
Identifiers: ClinVar variation 509824 (VCV000509824.8), dbSNP rs1553644986, ClinGen allele CA433885746.

ClinVar aggregate classification (germline): Benign/Likely benign. Review status: criteria provided, multiple submitters, no conflicts (2 of 4 stars). 5 submissions from 5 submitters: Benign (1); Likely benign (4). Last evaluated 2024-10-09.

Conditions:
Hereditary cancer-predisposing syndrome. Also called: Hereditary neoplastic syndrome; Hereditary Cancer Syndrome; Neoplastic Syndromes, Hereditary; Tumor predisposition. Identifiers: Orphanet 140162, MedGen C0027672, MeSH D009386, MONDO:0015356.
BAP1-related tumor predisposition syndrome (TPDS1). Also called: BAP1 tumor predisposition syndrome; TUMOR PREDISPOSITION SYNDROME 1; COMMON Syndrome; Tumor susceptibility linked to germline BAP1 mutations. Identifiers: Orphanet 289539, MedGen C3280492, MONDO:0013692, OMIM 614327.

Submissions (5):

Labcorp Genetics (formerly Invitae), Labcorp
Classification: Likely benign for BAP1-related tumor predisposition syndrome. Last evaluated: 2024-10-09. Review status: criteria provided, single submitter. Criteria: Invitae Variant Classification Sherloc (09022015). Collection method: clinical testing. Allele origin: germline.

Myriad Genetics, Inc.
Classification: Benign for BAP1-related tumor predisposition syndrome. Last evaluated: 2024-07-16. Review status: criteria provided, single submitter. Criteria: Myriad Autosomal Dominant, Autosomal Recessive and X-Linked Classification Criteria (2023). Collection method: clinical testing. Allele origin: unknown.
Comment: This variant is considered benign. This variant is a silent/synonymous amino acid change and it is not expected to impact splicing.

Ambry Genetics
Classification: Likely benign for Hereditary cancer-predisposing syndrome. Last evaluated: 2024-02-22. Review status: criteria provided, single submitter. Criteria: Ambry Variant Classification Scheme 2023. Collection method: clinical testing. Allele origin: germline.

Color Diagnostics, LLC DBA Color Health
Classification: Likely benign for Hereditary cancer-predisposing syndrome. Last evaluated: 2018-12-04. Review status: criteria provided, single submitter. Criteria: ACMG Guidelines, 2015. Collection method: clinical testing. Allele origin: germline.

GeneDx
Classification: Likely benign. Last evaluated: 2017-05-26. Review status: criteria provided, single submitter. Criteria: GeneDx Variant Classification (06012015). Collection method: clinical testing. Allele origin: germline. Affected: yes.
Comment: This variant is considered likely benign or benign based on one or more of the following criteria: it is a conservative change, it occurs at a poorly conserved position in the protein, it is predicted to be benign by multiple in silico algorithms, and/or has population frequency not consistent with disease.